The following is an entry in ClinVar:

ClinVar aggregate classification (germline): Pathogenic/Likely pathogenic. Review status: criteria provided, multiple submitters, no conflicts (2 of 4 stars). 37 submissions from 35 submitters: Pathogenic (34); Likely pathogenic (1). 2 of the submissions do not count toward it. Last evaluated 2026-06-18.

Conditions:
Parkinson disease 12. Also called: PARKINSON DISEASE, X-LINKED; PARK12. Identifiers: Orphanet 2828, MedGen C1845165, MONDO:0010360, OMIM 300557.
PRKN-related disorder. Also called: PRKN-related condition.
Ovarian cancer. Also called: OVARIAN CANCER, SOMATIC. Identifiers: Orphanet 213500, MedGen C1140680, MONDO:0008170, OMIM 167000.
Lung cancer. Also called: Lung cancer, somatic; Malignant tumor of lung. Identifiers: MedGen C0242379, MONDO:0008903, OMIM 211980.
Autosomal recessive juvenile Parkinson disease 2. Also called: PRKN-Related Early-Onset Parkinson Disease; Parkinson disease, juvenile, type 2; PARKINSON DISEASE, JUVENILE, AUTOSOMAL RECESSIVE; Parkinson disease autosomal recessive, early onset; Juvenile parkinsonism; Parkinsonism, early onset, with diurnal fluctuation. Identifiers: Orphanet 2828, MedGen C1868675, MONDO:0010820, OMIM 600116.
PARK2 & PRKN-related disorders.
Young-onset Parkinson disease. Identifiers: Orphanet 2828, MedGen C4275179, MONDO:0017279.
Ovarian neoplasm. Also called: Ovarian Neoplasms; Neoplasm of ovary; Ovarian tumor. Identifiers: MedGen C0919267, MeSH D010051, MONDO:0021068, HP:0100615.
Lung carcinoma. Identifiers: MedGen C0684249, MONDO:0005138.
Leprosy, susceptibility to, 2. Also called: LPRS2. Identifiers: Orphanet 548, MedGen C1843632, MONDO:0011860, OMIM 607572.

Allele frequency attached by ClinVar (database versions not stated): 1000 Genomes Project 0.00040; 1000 Genomes Project 30x 0.00078; ExAC 0.00206; TOPMed 0.00213; gnomAD 0.00226.
gnomAD v4.1: 4,857 of 1,614,016 alleles (0.3%); highest among the groups gnomAD compares: Non-Finnish European, 0.37%; 10 homozygotes.

Submissions 1 to 12 of 37:

PreventionGenetics, part of Exact Sciences
Classification: Pathogenic for PRKN-related condition. Last evaluated: 2026-06-18. Review status: criteria provided, single submitter. Criteria: ACMG Guidelines, 2015. Collection method: clinical testing. Allele origin: germline.
Comment: The PRKN c.823C>T variant is predicted to result in the amino acid substitution p.Arg275Trp. This variant (previously denoted as c.924C>T using legacy nomenclature) has been reported in both the homozygous and compound heterozygous states in individuals with early-onset Parkinson disease (see for example Abbas et al. 1999. PubMed ID: 10072423; Oliveira et al. 2003. PubMed ID: 12730996). This variant is considered a founder variant in the European (Non-Finnish) population with an allele frequency of 0.33% (Hedrich et al. 2004. PubMed ID: 15390068). Missense prediction programs classify this amino acid substitution as damaging, and an in vitro functional study found that this substitution decreased the solubility of the PRKN protein (Hampe et al. 2006. PubMed ID: 16714300). This variant has been classified as pathogenic by multiple independent submitters to the ClinVar database (Variation ID: 7050). Given the evidence, we interpret c.823C>T (p.Arg275Trp) as pathogenic.

CeGaT Center for Human Genetics Tuebingen
Classification: Pathogenic. Last evaluated: 2026-06-01. Review status: criteria provided, single submitter. Criteria: CeGaT Center For Human Genetics Tuebingen Variant Classification Criteria Version 2. Collection method: clinical testing. Allele origin: germline. Affected: yes. Observed: 20 variant alleles.
Comment: PRKN: PM3:Very Strong, PP1:Strong, PS3, PM2:Supporting

Dasa
Classification: Pathogenic. Last evaluated: 2026-04-10. Review status: criteria provided, single submitter. Criteria: DASA Assertion Criteria. Collection method: clinical testing. Allele origin: germline.
Comment: NM_004562.3(PRKN):c.823C>T (p.Arg275Trp) is a missense variant that results in the substitution of arginine with tryptophan. Segregation evidence has been reported in affected families. This variant has been observed in affected individuals with related phenotype in a genotype context consistent with recessive disease (PMID: 10072423; PMID: 12730996; PMID: 15390068; PMID: 19162522; PMID: 22118943). Functional evidence supports a deleterious effect on the gene or gene product (PMID: 10072423; PMID: 12730996; PMID: 15390068; PMID: 19162522; PMID: 22118943). This variant has been recurrently observed in individuals with related phenotype (PMID: 10072423; PMID: 12730996; PMID: 15390068; PMID: 19162522; PMID: 22118943). Multiple computational predictions support a deleterious effect on the gene or gene product. The variant is present at low frequency in population datasets. Based on the available data, this variant is classified as pathogenic.

Labcorp Genetics (formerly Invitae), Labcorp
Classification: Pathogenic. Last evaluated: 2025-12-16. Review status: criteria provided, single submitter. Criteria: Invitae Variant Classification Sherloc (09022015). Collection method: clinical testing. Allele origin: germline.
Comment: This sequence change replaces arginine, which is basic and polar, with tryptophan, which is neutral and slightly polar, at codon 275 of the PRKN protein (p.Arg275Trp). This variant is present in population databases (rs34424986, gnomAD 0.3%), and has an allele count higher than expected for a pathogenic variant. This missense change has been observed in individual(s) with dementia with Lewy bodies and/or Parkinson's disease (PMID: 10072423, 11889248, 12730996, 12891670, 15390068, 19162522, 19636047, 22118943, 22555654, 24082139, 24831986, 26836416). In at least one individual the data is consistent with being in trans (on the opposite chromosome) from a pathogenic variant. It has also been observed to segregate with disease in related individuals. ClinVar contains an entry for this variant (Variation ID: 7050). Invitae Evidence Modeling of protein sequence and biophysical properties (such as structural, functional, and spatial information, amino acid conservation, physicochemical variation, residue mobility, and thermodynamic stability) indicates that this missense variant is expected to disrupt PRKN protein function with a positive predictive value of 80%. Experimental studies have shown that this missense change affects PRKN function (PMID: 14519684, 16049031, 16714300, 20457763, 25939424). For these reasons, this variant has been classified as Pathogenic.

Laboratory of Genetics, Children's Clinical University Hospital Latvia
Classification: Pathogenic. Last evaluated: 2025-02-16. Review status: criteria provided, single submitter. Criteria: ACMG Guidelines, 2015. Collection method: clinical testing. Allele origin: germline. Affected: yes.

First Genomix Gene Laboratory, Genetic Diagnostics Department
Classification: Pathogenic for Autosomal recessive juvenile Parkinson disease 2. Last evaluated: 2025-01-10. Review status: criteria provided, single submitter. Criteria: ACMG Guidelines, 2015. Collection method: clinical testing. Allele origin: germline. Inheritance: Autosomal recessive inheritance. Affected: no. Observed: 1 variant allele.

Mayo Clinic Laboratories, Mayo Clinic
Classification: Pathogenic. Last evaluated: 2024-12-19. Review status: criteria provided, single submitter. Criteria: ACMG Guidelines, 2015. Collection method: clinical testing. Allele origin: germline. Observed: 2 variant alleles.
Comment: PS3, PS4

Blueprint Genetics
Classification: Pathogenic for PARK2 & PRKN-related disorders. Last evaluated: 2024-11-25. Review status: criteria provided, single submitter. Criteria: ACMG Guidelines, 2015. Collection method: clinical testing. Allele origin: germline. Affected: yes. Observed: 5 variant alleles.

Genomic Medicine Center of Excellence, King Faisal Specialist Hospital and Research Centre
Classification: Pathogenic for Autosomal recessive juvenile Parkinson disease 2. Last evaluated: 2024-04-04. Review status: criteria provided, single submitter. Criteria: ACMG Guidelines, 2015. Collection method: clinical testing. Allele origin: germline.

Fulgent Genetics
Classification: Pathogenic for Ovarian cancer; Lung cancer; Autosomal recessive juvenile Parkinson disease 2. Last evaluated: 2024-01-29. Review status: criteria provided, single submitter. Criteria: ACMG Guidelines, 2015. Collection method: clinical testing. Allele origin: germline.

Athena Diagnostics
Classification: Pathogenic. Last evaluated: 2024-01-25. Review status: criteria provided, single submitter. Criteria: Athena Diagnostics Criteria. Collection method: clinical testing. Allele origin: unknown.
Comment: The frequency of this variant in the general population is consistent with pathogenicity (Genome Aggregation Database (gnomAD), Cambridge, MA (URL)). Multiple individuals with early-onset Parkinson disease (EOPD) have been identified with this variant in both the compound heterozygous and heterozygous state. However, the association of heterozygous pathogenic PRKN variants with Parkinson disease remains inconclusive (PMID: 32970363). Assessment of experimental evidence suggests this variant results in abnormal protein function. This variant leads to altered protein localization in the formation of visible aggregates (PMID: 14519684, 16049031, 16714300). In multiple individuals, this variant has been seen with a single recessive pathogenic variant in the same gene, suggesting this variant may also be pathogenic.

Institute of Human Genetics, University of Leipzig Medical Center
Classification: Pathogenic for Autosomal recessive juvenile Parkinson disease 2. Last evaluated: 2023-12-19. Review status: criteria provided, single submitter. Criteria: ACMG Guidelines, 2015. Collection method: clinical testing. Allele origin: unknown. Inheritance: Autosomal recessive inheritance. Affected: yes.
Comment: Criteria applied: PM3_VSTR,PS3,PM5_STR,PM1

NM_004562.3(PRKN):c.823C>T (p.Arg275Trp)

Gene: PRKN (parkin RBR E3 ubiquitin protein ligase; minus strand). Cytogenetic location: 6q26.
Variant type: single nucleotide variant.
Coding change: c.823C>T on transcript NM_004562.3 (MANE Select); coding-DNA position 823, C replaced by T.
Protein change: p.Arg275Trp; replaces arginine 275 with tryptophan.
Molecular consequence: missense variant.
Genome position (GRCh38, 1-based): chr6:161,785,820, G>A on the plus strand (C>T on the coding strand, the complement: PRKN is on the minus strand). VCF-style: chr6-161785820-G-A. GRCh37 (hg19) VCF-style: chr6-162206852-G-A.
Other names: c.739C>T, p.Arg247Trp (NM_013987.3); c.376C>T, p.Arg126Trp (NM_013988.3); short protein forms R275W, R126W, R247W.
Identifiers: ClinVar variation 7050 (VCV000007050.104), dbSNP rs34424986, ClinGen allele CA254086.